The following is an entry in ClinVar:

ClinVar aggregate classification (germline): Uncertain significance (1 of 4 stars; one submission).

Allele frequency attached by ClinVar (database versions not stated): gnomAD exomes below 0.00001; gnomAD 0.00001; TOPMed 0.00001.
gnomAD v4.1: 3 of 1,613,762 alleles (0.00019%); highest among the groups gnomAD compares: Non-Finnish European, 0.00025%; no homozygotes.

Submission:

Labcorp Genetics (formerly Invitae), Labcorp
Classification: Uncertain significance. Last evaluated: 2025-09-02. Review status: criteria provided, single submitter. Criteria: Invitae Variant Classification Sherloc (09022015). Collection method: clinical testing. Allele origin: germline.
Comment: This sequence change replaces alanine, which is neutral and non-polar, with proline, which is neutral and non-polar, at codon 1060 of the SLC24A1 protein (p.Ala1060Pro). This variant is not present in population databases (gnomAD no frequency). This variant has not been reported in the literature in individuals affected with SLC24A1-related conditions. ClinVar contains an entry for this variant (Variation ID: 939826). An algorithm developed to predict the effect of missense changes on protein structure and function (PolyPhen-2) suggests that this variant is likely to be disruptive. In summary, the available evidence is currently insufficient to determine the role of this variant in disease. Therefore, it has been classified as a Variant of Uncertain Significance.

NM_004727.3(SLC24A1):c.3178G>C (p.Ala1060Pro)

Gene: SLC24A1 (solute carrier family 24 member 1; plus strand). Cytogenetic location: 15q22.31.
Variant type: single nucleotide variant.
Coding change: c.3178G>C on transcript NM_004727.3 (MANE Select); coding-DNA position 3178, G replaced by C.
Protein change: p.Ala1060Pro; replaces alanine 1060 with proline.
Molecular consequence: missense variant. On other transcripts: intron variant (1).
Genome position (GRCh38, 1-based): chr15:65,653,957, G>C. VCF-style: chr15-65653957-G-C. GRCh37 (hg19) VCF-style: chr15-65946295-G-C.
Other names: c.1159G>C, p.Ala387Pro (NM_001254740.2); c.3088G>C, p.Ala1030Pro (NM_001301031.1); c.3124G>C, p.Ala1042Pro (NM_001301032.1); c.2996+1149G>C (NM_001301033.2); short protein forms A1030P, A1042P, A387P, A1060P.
Identifiers: ClinVar variation 939826 (VCV000939826.9), dbSNP rs1426309006, ClinGen allele CA392903802.
Genomic context (GRCh38, chr15:65,653,957, plus strand): 5'-GGCTTGTTTTGTGCAATTGTTTTGCTTTTTCTCATGCTTCTGTTTGTGATCTCTTCAATT[G>C]CGTCATGTAAATGGAGAATGAACAAGATCCTGGGCTTCACAATGTTCCTCCTTTACTTTG-3'
Protein context (NP_004718.1, residues 1050-1070): LMLLFVISSI[Ala1060Pro]SCKWRMNKIL